The following is an entry in ClinVar:

NM_001348768.2(HECW2):c.2822A>G (p.Tyr941Cys)

Gene: HECW2 (HECT, C2 and WW domain containing E3 ubiquitin protein ligase 2; minus strand). Cytogenetic location: 2q32.3.
Variant type: single nucleotide variant.
Coding change: c.2822A>G on transcript NM_001348768.2 (MANE Select); coding-DNA position 2822, A replaced by G.
Protein change: p.Tyr941Cys; replaces tyrosine 941 with cysteine.
Molecular consequence: missense variant.
Genome position (GRCh38, 1-based): chr2:196,292,743, T>C on the plus strand (A>G on the coding strand, the complement: HECW2 is on the minus strand). VCF-style: chr2-196292743-T-C. GRCh37 (hg19) VCF-style: chr2-197157467-T-C.
Other names: c.1754A>G, p.Tyr585Cys (NM_001304840.3); c.2822A>G, p.Tyr941Cys (NM_020760.4); short protein forms Y585C, Y941C.
Identifiers: ClinVar variation 2512305 (VCV002512305.26), dbSNP rs761296749, ClinGen allele CA2037944.

ClinVar aggregate classification (germline): Likely benign. Review status: criteria provided, multiple submitters, no conflicts (2 of 4 stars). 2 submissions from 2 submitters: Likely benign (2). Last evaluated 2024-09-01.

Conditions:
Inborn genetic diseases. Identifiers: MedGen C0950123, MeSH D030342.

Allele frequency attached by ClinVar (database versions not stated): TOPMed 0.00003; ExAC 0.00005; gnomAD 0.00005.
gnomAD v4.1: 66 of 1,611,110 alleles (0.0041%); highest among the groups gnomAD compares: Non-Finnish European, 0.0054%; no homozygotes.

Submissions (2):

CeGaT Center for Human Genetics Tuebingen
Classification: Likely benign. Last evaluated: 2024-09-01. Review status: criteria provided, single submitter. Criteria: CeGaT Center For Human Genetics Tuebingen Variant Classification Criteria Version 2. Collection method: clinical testing. Allele origin: germline. Affected: yes. Observed: 2 variant alleles.
Comment: HECW2: PP2, PP3, BS2

Ambry Genetics
Classification: Likely benign for Inborn genetic diseases. Last evaluated: 2023-05-23. Review status: criteria provided, single submitter. Criteria: Ambry Variant Classification Scheme 2023. Collection method: clinical testing. Allele origin: germline.